The following is an entry in ClinVar:

ClinVar aggregate classification (germline): Likely benign. Review status: criteria provided, multiple submitters, no conflicts (2 of 4 stars). 3 submissions from 3 submitters: Likely benign (2). 1 of the submissions does not count toward it. Last evaluated 2026-07-01.

Conditions:
PLG-related disorder. Also called: PLG-related condition.

Allele frequency attached by ClinVar (database versions not stated): gnomAD exomes 0.00001; TOPMed 0.00002; gnomAD 0.00003; ExAC 0.00005; ESP Exome Variant Server 0.00008; 1000 Genomes Project 30x 0.00016; 1000 Genomes Project 0.00020.
gnomAD v4.1: 16 of 1,599,740 alleles (0.001%); highest among the groups gnomAD compares: South Asian, 0.0022%; no homozygotes.

Submissions (3):

CeGaT Center for Human Genetics Tuebingen
Classification: Likely benign. Last evaluated: 2026-07-01. Review status: criteria provided, single submitter. Criteria: CeGaT Center For Human Genetics Tuebingen Variant Classification Criteria Version 2. Collection method: clinical testing. Allele origin: germline. Affected: yes. Observed: 1 variant allele.
Comment: PLG: BP4, BP7

Labcorp Genetics (formerly Invitae), Labcorp
Classification: Likely benign. Last evaluated: 2024-04-17. Review status: criteria provided, single submitter. Criteria: Invitae Variant Classification Sherloc (09022015). Collection method: clinical testing. Allele origin: germline.

PreventionGenetics, part of Exact Sciences
Classification: Likely benign for PLG-related condition. Last evaluated: 2019-02-19. Review status: no assertion criteria provided. Collection method: clinical testing. Allele origin: germline. Not counted in ClinVar's aggregate classification.
Comment: This variant is classified as likely benign based on ACMG/AMP sequence variant interpretation guidelines (Richards et al. 2015 PMID: 25741868, with internal and published modifications).

NM_000301.5(PLG):c.1869C>T (p.Cys623=)

Genes: PLG (plasminogen; plus strand), LOC126859861 (CDK7 strongly-dependent group 2 enhancer GRCh37_chr6:161158745-161159944; plus strand). Cytogenetic location: 6q26.
Variant type: single nucleotide variant.
Coding change: c.1869C>T on transcript NM_000301.5 (MANE Select); coding-DNA position 1869, C replaced by T.
Protein change: p.Cys623=; no amino-acid change (cysteine 623 retained).
Molecular consequence: synonymous variant.
Genome position (GRCh38, 1-based): chr6:160,738,604, C>T. VCF-style: chr6-160738604-C-T. GRCh37 (hg19) VCF-style: chr6-161159636-C-T.
Identifiers: ClinVar variation 3058536 (VCV003058536.5), dbSNP rs144424879, ClinGen allele CA4087908.